The following is an entry in ClinVar:

NM_001256715.2(DNAAF3):c.1218C>G (p.Asn406Lys)

Genes: DNAAF3 (dynein axonemal assembly factor 3; minus strand), DNAAF3-AS1 (DNAAF3 antisense RNA 1; plus strand). Cytogenetic location: 19q13.42.
Variant type: single nucleotide variant.
Coding change: c.1218C>G on transcript NM_001256715.2 (MANE Select); coding-DNA position 1218, C replaced by G.
Protein change: p.Asn406Lys; replaces asparagine 406 with lysine.
Molecular consequence: missense variant.
Genome position (GRCh38, 1-based): chr19:55,159,553, G>C on the plus strand (C>G on the coding strand, the complement: DNAAF3 is on the minus strand). VCF-style: chr19-55159553-G-C. GRCh37 (hg19) VCF-style: chr19-55670921-G-C.
Other names: c.1419C>G, p.Asn473Lys (NM_001256714.1); c.1056C>G, p.Asn352Lys (NM_001256716.2); c.1359C>G, p.Asn453Lys (NM_178837.4); short protein forms N352K, N406K, N453K, N473K.
Identifiers: ClinVar variation 3221474 (VCV003221474.1), dbSNP rs918171964, ClinGen allele CA310152334.

ClinVar aggregate classification (germline): Uncertain significance (1 of 4 stars; one submission).

Conditions:
Primary ciliary dyskinesia. Also called: Ciliary dyskinesia. Identifiers: Orphanet 244, MedGen C0008780, MONDO:0016575, HP:0012265.

Allele frequency attached by ClinVar (database versions not stated): gnomAD 0.00001; TOPMed 0.00003.
gnomAD v4.1: 5 of 1,602,202 alleles (0.00031%); highest among the groups gnomAD compares: African/African-American, 0.004%; no homozygotes.

Submission:

Ambry Genetics
Classification: Uncertain significance for Primary ciliary dyskinesia. Last evaluated: 2024-02-10. Review status: criteria provided, single submitter. Criteria: Ambry Variant Classification Scheme 2023. Collection method: clinical testing. Allele origin: germline.
Comment: The p.N473K variant (also known as c.1419C>G), located in coding exon 11 of the DNAAF3 gene, results from a C to G substitution at nucleotide position 1419. The asparagine at codon 473 is replaced by lysine, an amino acid with similar properties. This amino acid position is conserved. In addition, this alteration is predicted to be tolerated by in silico analysis. Based on the available evidence, the clinical significance of this alteration remains unclear.